The following is an entry in ClinVar:

ClinVar aggregate classification (germline): Uncertain significance. Review status: criteria provided, multiple submitters, no conflicts (2 of 4 stars). 2 submissions from 2 submitters: Uncertain significance (2). Last evaluated 2025-02-12.

Conditions:
ZTTK syndrome (ZTTKS). Also called: Zhu-Tokita-Takenouchi-Kim Syndrome; ZTTK MULTIPLE CONGENITAL ANOMALIES-MENTAL RETARDATION SYNDROME. Identifiers: Orphanet 500150, MedGen C4310696, MONDO:0014936, OMIM 617140.

Allele frequency attached by ClinVar (database versions not stated): gnomAD exomes below 0.00001; ExAC 0.00002; gnomAD 0.00003; TOPMed 0.00003.
gnomAD v4.1: 7 of 1,613,090 alleles (0.00043%); highest among the groups gnomAD compares: African/African-American, 0.0053%; no homozygotes.

Submissions (2):

Labcorp Genetics (formerly Invitae), Labcorp
Classification: Uncertain significance. Last evaluated: 2025-02-12. Review status: criteria provided, single submitter. Criteria: Invitae Variant Classification Sherloc (09022015). Collection method: clinical testing. Allele origin: germline.
Comment: This sequence change replaces alanine, which is neutral and non-polar, with proline, which is neutral and non-polar, at codon 847 of the SON protein (p.Ala847Pro). This variant is present in population databases (rs766258977, gnomAD 0.007%). This variant has not been reported in the literature in individuals affected with SON-related conditions. ClinVar contains an entry for this variant (Variation ID: 2436229). An algorithm developed to predict the effect of missense changes on protein structure and function (PolyPhen-2) suggests that this variant is likely to be disruptive. In summary, the available evidence is currently insufficient to determine the role of this variant in disease. Therefore, it has been classified as a Variant of Uncertain Significance.

Revvity Omics, Revvity
Classification: Uncertain significance for ZTTK syndrome. Last evaluated: 2022-08-26. Review status: criteria provided, single submitter. Criteria: ACMG Guidelines, 2015. Collection method: clinical testing. Allele origin: germline.

NM_138927.4(SON):c.2539G>C (p.Ala847Pro)

Gene: SON (SON DNA and RNA binding protein; plus strand). Cytogenetic location: 21q22.11.
Variant type: single nucleotide variant.
Coding change: c.2539G>C on transcript NM_138927.4 (MANE Select); coding-DNA position 2539, G replaced by C.
Protein change: p.Ala847Pro; replaces alanine 847 with proline.
Molecular consequence: missense variant. On other transcripts: non-coding transcript variant (1), intron variant (1).
Genome position (GRCh38, 1-based): chr21:33,551,770, G>C. VCF-style: chr21-33551770-G-C. GRCh37 (hg19) VCF-style: chr21-34924076-G-C.
Other names: c.2539G>C, p.Ala847Pro (NM_001291411.2, NM_001412133.1, NM_032195.3 and 2 more transcripts); c.245-5386G>C (NM_001291412.3); short protein forms A847P.
Identifiers: ClinVar variation 2436229 (VCV002436229.6), dbSNP rs766258977, ClinGen allele CA10009117.